The following is an entry in ClinVar:

ClinVar aggregate classification (germline): Uncertain significance (1 of 4 stars; one submission).

Submission:

CeGaT Center for Human Genetics Tuebingen
Classification: Uncertain significance. Last evaluated: 2024-06-01. Review status: criteria provided, single submitter. Criteria: CeGaT Center For Human Genetics Tuebingen Variant Classification Criteria Version 2. Collection method: clinical testing. Allele origin: germline. Affected: yes. Observed: 1 variant allele.
Comment: ZBTB7A: PM2, PP2

NM_015898.4(ZBTB7A):c.1477G>T (p.Val493Phe)

Gene: ZBTB7A (zinc finger and BTB domain containing 7A; minus strand). Cytogenetic location: 19p13.3.
Variant type: single nucleotide variant.
Coding change: c.1477G>T on transcript NM_015898.4 (MANE Select); coding-DNA position 1477, G replaced by T.
Protein change: p.Val493Phe; replaces valine 493 with phenylalanine.
Molecular consequence: missense variant.
Genome position (GRCh38, 1-based): chr19:4,048,030, C>A on the plus strand (G>T on the coding strand, the complement: ZBTB7A is on the minus strand). VCF-style: chr19-4048030-C-A. GRCh37 (hg19) VCF-style: chr19-4048028-C-A.
Other names: c.1477G>T, p.Val493Phe (NM_001317990.2); short protein forms V493F.
Identifiers: ClinVar variation 3251151 (VCV003251151.18), dbSNP rs757820619.